The following is an entry in ClinVar:

ClinVar aggregate classification (germline): Pathogenic (1 of 4 stars; one submission).

Conditions:
Inborn genetic diseases. Identifiers: MedGen C0950123, MeSH D030342.

Submission:

Ambry Genetics
Classification: Pathogenic for Inborn genetic diseases. Last evaluated: 2024-07-16. Review status: criteria provided, single submitter. Criteria: Ambry Variant Classification Scheme 2023. Collection method: clinical testing. Allele origin: germline.
Comment: The c.11722C>T (p.Q3908*) alteration, located in exon 39 (coding exon 39) of the KMT2D gene, consists of a C to T substitution at nucleotide position 11722. This changes the amino acid from a glutamine (Q) to a stop codon at amino acid position 3908. This alteration is expected to result in loss of function by premature protein truncation or nonsense-mediated mRNA decay. This variant was not reported in population-based cohorts in the Genome Aggregation Database (gnomAD). This variant has been reported to be de novo in two individuals in Kabuki syndrome cohorts but clinical details were limited (Paulussen, 2011; Miyake, 2013). Based on the available evidence, this alteration is classified as pathogenic.

Literature cited by the submitters: PubMed 21280141; PubMed 23913813.

NM_003482.4(KMT2D):c.11722C>T (p.Gln3908Ter)

Gene: KMT2D (lysine methyltransferase 2D; minus strand). Cytogenetic location: 12q13.12.
Variant type: single nucleotide variant.
Coding change: c.11722C>T on transcript NM_003482.4 (MANE Select); coding-DNA position 11722, C replaced by T.
Protein change: p.Gln3908Ter; replaces glutamine 3908 with a stop codon.
Molecular consequence: nonsense.
Genome position (GRCh38, 1-based): chr12:49,032,983, G>A on the plus strand (C>T on the coding strand, the complement: KMT2D is on the minus strand). VCF-style: chr12-49032983-G-A. GRCh37 (hg19) VCF-style: chr12-49426766-G-A.
Other names: short protein forms Q3908*.
Identifiers: ClinVar variation 3535532 (VCV003535532.1).